The following is an entry in ClinVar:

NM_001371928.1(AHDC1):c.575G>A (p.Arg192Gln)

Gene: AHDC1 (AT-hook DNA binding motif containing 1; minus strand). Cytogenetic location: 1p36.11.
Variant type: single nucleotide variant.
Coding change: c.575G>A on transcript NM_001371928.1 (MANE Select); coding-DNA position 575, G replaced by A.
Protein change: p.Arg192Gln; replaces arginine 192 with glutamine.
Molecular consequence: missense variant.
Genome position (GRCh38, 1-based): chr1:27,551,541, C>T on the plus strand (G>A on the coding strand, the complement: AHDC1 is on the minus strand). VCF-style: chr1-27551541-C-T. GRCh37 (hg19) VCF-style: chr1-27878052-C-T.
Other names: c.575G>A, p.Arg192Gln (NM_001029882.3); c.575G>A (NM_001029882.2); short protein forms R192Q.
Identifiers: ClinVar variation 1694503 (VCV001694503.34), dbSNP rs752497243, ClinGen allele CA716129.

ClinVar aggregate classification (germline): Conflicting classifications of pathogenicity. Review status: criteria provided, conflicting classifications (1 of 4 stars). 3 submissions from 3 submitters: Uncertain significance (1); Likely benign (2). Last evaluated 2025-03-26.

Conditions:
Inborn genetic diseases. Identifiers: MedGen C0950123, MeSH D030342.

Allele frequency attached by ClinVar (database versions not stated): ExAC 0.00002; gnomAD 0.00003 and 0.00004; gnomAD exomes 0.00003; TOPMed 0.00004.
gnomAD v4.1: 20 of 1,605,306 alleles (0.0012%); highest among the groups gnomAD compares: East Asian, 0.011%; no homozygotes.

Submissions (3):

Ambry Genetics
Classification: Likely benign for Inborn genetic diseases. Last evaluated: 2025-03-26. Review status: criteria provided, single submitter. Criteria: Ambry Variant Classification Scheme 2023. Collection method: clinical testing. Allele origin: germline.

Labcorp Genetics (formerly Invitae), Labcorp
Classification: Uncertain significance. Last evaluated: 2024-02-20. Review status: criteria provided, single submitter. Criteria: Invitae Variant Classification Sherloc (09022015). Collection method: clinical testing. Allele origin: germline.
Comment: This sequence change replaces arginine, which is basic and polar, with glutamine, which is neutral and polar, at codon 192 of the AHDC1 protein (p.Arg192Gln). This variant is present in population databases (rs752497243, gnomAD 0.03%). This variant has not been reported in the literature in individuals affected with AHDC1-related conditions. ClinVar contains an entry for this variant (Variation ID: 1694503). An algorithm developed to predict the effect of missense changes on protein structure and function (PolyPhen-2) suggests that this variant is likely to be tolerated. In summary, the available evidence is currently insufficient to determine the role of this variant in disease. Therefore, it has been classified as a Variant of Uncertain Significance.

CeGaT Center for Human Genetics Tuebingen
Classification: Likely benign. Last evaluated: 2022-05-01. Review status: criteria provided, single submitter. Criteria: CeGaT Center For Human Genetics Tuebingen Variant Classification Criteria Version 2. Collection method: clinical testing. Allele origin: germline. Affected: yes. Observed: 1 variant allele.
Comment: AHDC1: BS2